The following is an entry in ClinVar:

NM_001171.6(ABCC6):c.2899T>C (p.Trp967Arg)

Gene: ABCC6 (ATP binding cassette subfamily C member 6; minus strand). Cytogenetic location: 16p13.11.
Variant type: single nucleotide variant.
Coding change: c.2899T>C on transcript NM_001171.6 (MANE Select); coding-DNA position 2899, T replaced by C.
Protein change: p.Trp967Arg; replaces tryptophan 967 with arginine.
Molecular consequence: missense variant. On other transcripts: non-coding transcript variant (1).
Genome position (GRCh38, 1-based): chr16:16,169,742, A>G on the plus strand (T>C on the coding strand, the complement: ABCC6 is on the minus strand). VCF-style: chr16-16169742-A-G. GRCh37 (hg19) VCF-style: chr16-16263599-A-G.
Other names: c.2557T>C, p.Trp853Arg (NM_001351800.1); short protein forms W853R, W967R.
Identifiers: ClinVar variation 1417625 (VCV001417625.8), dbSNP rs2152235602, ClinGen allele CA394884647.

ClinVar aggregate classification (germline): Uncertain significance (1 of 4 stars; one submission).

gnomAD v4.1: 2 of 1,607,852 alleles (0.00012%); highest among the groups gnomAD compares: Non-Finnish European, 0.00017%; no homozygotes.

Submission:

Labcorp Genetics (formerly Invitae), Labcorp
Classification: Uncertain significance. Last evaluated: 2022-02-04. Review status: criteria provided, single submitter. Criteria: Invitae Variant Classification Sherloc (09022015). Collection method: clinical testing. Allele origin: germline.
Comment: In summary, the available evidence is currently insufficient to determine the role of this variant in disease. Therefore, it has been classified as a Variant of Uncertain Significance. Advanced modeling of protein sequence and biophysical properties (such as structural, functional, and spatial information, amino acid conservation, physicochemical variation, residue mobility, and thermodynamic stability) performed at Invitae indicates that this missense variant is expected to disrupt ABCC6 protein function. This variant has not been reported in the literature in individuals affected with ABCC6-related conditions. This variant is not present in population databases (gnomAD no frequency). This sequence change replaces tryptophan, which is neutral and slightly polar, with arginine, which is basic and polar, at codon 967 of the ABCC6 protein (p.Trp967Arg).